The following is an entry in ClinVar:

NM_004415.4(DSP):c.3954G>A (p.Lys1318=)

Gene: DSP (desmoplakin; plus strand). Cytogenetic location: 6p24.3.
Variant type: single nucleotide variant.
Coding change: c.3954G>A on transcript NM_004415.4 (MANE Select); coding-DNA position 3954, G replaced by A.
Protein change: p.Lys1318=; no amino-acid change (lysine 1318 retained).
Molecular consequence: synonymous variant. On other transcripts: intron variant (1).
Genome position (GRCh38, 1-based): chr6:7,580,144, G>A. VCF-style: chr6-7580144-G-A. GRCh37 (hg19) VCF-style: chr6-7580377-G-A.
Other names: c.3954G>A (LRG_423t1, NM_004415.3); c.3954G>A, p.Lys1318= (NM_001319034.2); c.3582+372G>A (NM_001008844.3).
Identifiers: ClinVar variation 513664 (VCV000513664.17), dbSNP rs866656949, ClinGen allele CA133969022.

ClinVar aggregate classification (germline): Conflicting classifications of pathogenicity. Review status: criteria provided, conflicting classifications (1 of 4 stars). 6 submissions from 6 submitters: Uncertain significance (1); Likely benign (4). 1 of the submissions does not count toward it. Last evaluated 2025-05-18.

Conditions:
Arrhythmogenic cardiomyopathy with wooly hair and keratoderma. Also called: Dilated cardiomyopathy with woolly hair and keratoderma; Arrhythmogenic cardiomyopathy with woolly hair and keratoderma; Carvajal syndrome; PALMOPLANTAR KERATODERMA WITH LEFT VENTRICULAR CARDIOMYOPATHY AND WOOLLY HAIR. Identifiers: Orphanet 65282, MedGen C1854063, MONDO:0011581, OMIM 605676.
Arrhythmogenic right ventricular dysplasia 8 (ARVD8). Also called: Arrhythmogenic Right Ventricular Dysplasia/Cardiomyopathy 8; ARRHYTHMOGENIC RIGHT VENTRICULAR CARDIOMYOPATHY 8; ARRHYTHMOGENIC RIGHT VENTRICULAR DYSPLASIA, FAMILIAL, 8. Identifiers: MedGen C1843896, MONDO:0011831, OMIM 607450.
DSP-related disorder. Also called: DSP-related condition; DSP-related disorders.
Cardiovascular phenotype. Identifiers: MedGen CN230736.
Cardiomyopathy (CMYO). Also called: Cardiomyopathies. Identifiers: Orphanet 167848, MedGen C0878544, MONDO:0004994, HP:0001638. Inheritance: Various modes of inheritance.

Allele frequency attached by ClinVar (database versions not stated): gnomAD exomes below 0.00001; TOPMed 0.00001; gnomAD 0.00002.
gnomAD v4.1: 6 of 1,613,996 alleles (0.00037%); highest among the groups gnomAD compares: Admixed American, 0.0017%; no homozygotes.

Submissions (6):

Labcorp Genetics (formerly Invitae), Labcorp
Classification: Likely benign for Arrhythmogenic cardiomyopathy with wooly hair and keratoderma; Arrhythmogenic right ventricular dysplasia 8. Last evaluated: 2025-05-18. Review status: criteria provided, single submitter. Criteria: Invitae Variant Classification Sherloc (09022015). Collection method: clinical testing. Allele origin: germline.

All of Us Research Program, National Institutes of Health
Classification: Uncertain significance for Arrhythmogenic cardiomyopathy with wooly hair and keratoderma. Last evaluated: 2023-04-10. Review status: criteria provided, single submitter. Criteria: ACMG Guidelines, 2015. Collection method: clinical testing. Allele origin: germline. Inheritance: Autosomal dominant inheritance. Observed: 2 variant alleles, 2 heterozygotes.
Comment: This variant is located in the DSP protein. To our knowledge, functional studies have not been reported for this variant. This variant has not been reported in individuals affected with DSP-related disorders in the literature. This variant has been identified in 2/282096 chromosomes in the general population by the Genome Aggregation Database (gnomAD). The available evidence is insufficient to determine the role of this variant in disease conclusively. Therefore, this variant is classified as a Variant of Uncertain Significance.

This study involves interpretation of variants in research participants for the purpose of population health screening. Participant phenotype was not available at the time of variant classification. Additional details can be found in publication PMID: 35346344, PMCID: PMC8962531

CHEO Genetics Diagnostic Laboratory, Children's Hospital of Eastern Ontario
Classification: Likely benign for Cardiomyopathy. Last evaluated: 2023-01-26. Review status: criteria provided, single submitter. Criteria: ACMG Guidelines, 2015. Collection method: clinical testing. Allele origin: germline.

GeneDx
Classification: Likely benign. Last evaluated: 2017-11-28. Review status: criteria provided, single submitter. Criteria: GeneDx Variant Classification (06012015). Collection method: clinical testing. Allele origin: germline. Affected: yes.
Comment: This variant is considered likely benign or benign based on one or more of the following criteria: it is a conservative change, it occurs at a poorly conserved position in the protein, it is predicted to be benign by multiple in silico algorithms, and/or has population frequency not consistent with disease.

Ambry Genetics
Classification: Likely benign for Cardiovascular phenotype. Last evaluated: 2016-11-09. Review status: criteria provided, single submitter. Criteria: Ambry Variant Classification Scheme 2023. Collection method: clinical testing. Allele origin: germline.

PreventionGenetics, part of Exact Sciences
Classification: Likely benign for DSP-related condition. Last evaluated: 2023-08-24. Review status: no assertion criteria provided. Collection method: clinical testing. Allele origin: germline. Not counted in ClinVar's aggregate classification.
Comment: This variant is classified as likely benign based on ACMG/AMP sequence variant interpretation guidelines (Richards et al. 2015 PMID: 25741868, with internal and published modifications).